The following is an entry in ClinVar:

NM_002645.4(PIK3C2A):c.3983A>C (p.Asn1328Thr)

Gene: PIK3C2A (phosphatidylinositol-4-phosphate 3-kinase catalytic subunit type 2 alpha; minus strand). Cytogenetic location: 11p15.1.
Variant type: single nucleotide variant.
Coding change: c.3983A>C on transcript NM_002645.4 (MANE Select); coding-DNA position 3983, A replaced by C.
Protein change: p.Asn1328Thr; replaces asparagine 1328 with threonine.
Molecular consequence: missense variant.
Genome position (GRCh38, 1-based): chr11:17,101,303, T>G on the plus strand (A>C on the coding strand, the complement: PIK3C2A is on the minus strand). VCF-style: chr11-17101303-T-G. GRCh37 (hg19) VCF-style: chr11-17122850-T-G.
Other names: c.3983A>C, p.Asn1328Thr (NM_001321378.2); c.2843A>C, p.Asn948Thr (NM_001321380.2); c.3815A>C, p.Asn1272Thr (NM_001386870.1); short protein forms N948T, N1272T, N1328T.
Identifiers: ClinVar variation 1943435 (VCV001943435.2), dbSNP rs1488309530, ClinGen allele CA379759769.
Genomic context (GRCh38, chr11:17,101,303, plus strand): 5'-ATAAAACTAATTAAGTGCTTATAAAGAATAGTTACCAGTGAAAGGAGGTTAAGAAAAAGG[T>G]TTGTCTGCTTTCTTATCAAGTTGTAGGCCTGACAGCAGAGGTCCACAAACAACTGAAAAC-3'
Protein context (NP_002636.2, residues 1318-1338): QAYNLIRKQT[Asn1328Thr]LFLNLLSLMI

ClinVar aggregate classification (germline): Uncertain significance (1 of 4 stars; one submission).

Allele frequency attached by ClinVar (database versions not stated): gnomAD 0.00001; TOPMed 0.00001; gnomAD exomes 0.00004.

Submission:

Labcorp Genetics (formerly Invitae), Labcorp
Classification: Uncertain significance. Last evaluated: 2022-06-30. Review status: criteria provided, single submitter. Criteria: Invitae Variant Classification Sherloc (09022015). Collection method: clinical testing. Allele origin: germline.
Comment: This sequence change replaces asparagine, which is neutral and polar, with threonine, which is neutral and polar, at codon 1328 of the PIK3C2A protein (p.Asn1328Thr). This variant is present in population databases (no rsID available, gnomAD 0.004%). This variant has not been reported in the literature in individuals affected with PIK3C2A-related conditions. Algorithms developed to predict the effect of missense changes on protein structure and function are either unavailable or do not agree on the potential impact of this missense change (SIFT: "Not Available"; PolyPhen-2: "Benign"; Align-GVGD: "Not Available"). In summary, the available evidence is currently insufficient to determine the role of this variant in disease. Therefore, it has been classified as a Variant of Uncertain Significance.